The following is an entry in ClinVar:

NM_003331.5(TYK2):c.2467-6C>T

Gene: TYK2 (tyrosine kinase 2; minus strand). Cytogenetic location: 19p13.2.
Variant type: single nucleotide variant.
Coding change: c.2467-6C>T on transcript NM_003331.5 (MANE Select); 6 bases into the intron before coding-DNA position 2467, C replaced by T.
Molecular consequence: intron variant.
Genome position (GRCh38, 1-based): chr19:10,356,724, G>A on the plus strand (C>T on the coding strand, the complement: TYK2 is on the minus strand). VCF-style: chr19-10356724-G-A. GRCh37 (hg19) VCF-style: chr19-10467400-G-A.
Other names: c.2281-6C>T (NM_001385199.1); c.2377-6C>T (NM_001385205.1); c.2269-6C>T (NM_001385201.1); c.2341-6C>T (NM_001385206.1); c.2449-6C>T (NM_001385207.1); c.2383-6C>T (NM_001385202.1); c.2467-9C>T (NM_001385200.1); c.2467-6C>T (NM_001385198.1, NM_001385197.1, NM_001385203.1); and 1 more.
Identifiers: ClinVar variation 2187299 (VCV002187299.4), dbSNP rs2512487082, ClinGen allele CA2580096199.

ClinVar aggregate classification (germline): Uncertain significance (1 of 4 stars; one submission).

Conditions:
Immunodeficiency 35 (IMD35). Also called: Susceptibility to infection due to TYK2 deficiency; TYK2 DEFICIENCY; HIES WITH ATYPICAL MYCOBACTERIOSIS, AUTOSOMAL RECESSIVE; HYPER-IgE SYNDROME WITH ATYPICAL MYCOBACTERIOSIS, AUTOSOMAL RECESSIVE. Identifiers: Orphanet 331226, MedGen C1969086, MONDO:0012682, OMIM 611521.

Allele frequency attached by ClinVar (database versions not stated): gnomAD exomes below 0.00001.
gnomAD v4.1: 4 of 1,601,292 alleles (0.00025%); highest among the groups gnomAD compares: African/African-American, 0.0013%; no homozygotes.

Submission:

Labcorp Genetics (formerly Invitae), Labcorp
Classification: Uncertain significance for Immunodeficiency 35. Last evaluated: 2022-11-12. Review status: criteria provided, single submitter. Criteria: Invitae Variant Classification Sherloc (09022015). Collection method: clinical testing. Allele origin: germline.
Comment: In summary, the available evidence is currently insufficient to determine the role of this variant in disease. Therefore, it has been classified as a Variant of Uncertain Significance. Algorithms developed to predict the effect of sequence changes on RNA splicing suggest that this variant may create or strengthen a splice site. This variant has not been reported in the literature in individuals affected with TYK2-related conditions. This variant is not present in population databases (gnomAD no frequency). This sequence change falls in intron 17 of the TYK2 gene. It does not directly change the encoded amino acid sequence of the TYK2 protein.